The following is an entry in ClinVar:

ClinVar aggregate classification (germline): Uncertain significance (1 of 4 stars; one submission).

Submission:

Labcorp Genetics (formerly Invitae), Labcorp
Classification: Uncertain significance. Last evaluated: 2023-05-21. Review status: criteria provided, single submitter. Criteria: Invitae Variant Classification Sherloc (09022015). Collection method: clinical testing. Allele origin: germline.
Comment: In summary, the available evidence is currently insufficient to determine the role of this variant in disease. Therefore, it has been classified as a Variant of Uncertain Significance. An algorithm developed to predict the effect of missense changes on protein structure and function (PolyPhen-2) suggests that this variant is likely to be tolerated. ClinVar contains an entry for this variant (Variation ID: 1043770). This variant has not been reported in the literature in individuals affected with AMER1-related conditions. This variant is not present in population databases (gnomAD no frequency). This sequence change replaces isoleucine, which is neutral and non-polar, with leucine, which is neutral and non-polar, at codon 176 of the AMER1 protein (p.Ile176Leu).

NM_152424.4(AMER1):c.526A>C (p.Ile176Leu)

Gene: AMER1 (APC membrane recruitment protein 1; minus strand). Cytogenetic location: Xq11.2.
Variant type: single nucleotide variant.
Coding change: c.526A>C on transcript NM_152424.4 (MANE Select); coding-DNA position 526, A replaced by C.
Protein change: p.Ile176Leu; replaces isoleucine 176 with leucine.
Molecular consequence: missense variant.
Genome position (GRCh38, 1-based): chrX:64,192,761, T>G on the plus strand (A>C on the coding strand, the complement: AMER1 is on the minus strand). VCF-style: chrX-64192761-T-G. GRCh37 (hg19) VCF-style: chrX-63412641-T-G.
Other names: short protein forms I176L.
Identifiers: ClinVar variation 1043770 (VCV001043770.8), dbSNP rs1930281452, ClinGen allele CA413310727.
Genomic context (GRCh38, chrX:64,192,761, plus strand): 5'-CCTTGGCCCCTGGCTCACTTTGCTCAGCCCCAGTGACCTTGCTCTTCCGGTGACGGCGGA[T>G]ACTGCTAAAAAAGCCTTTTAGGCCTTTCTTTGGCTTGGGCATAGAGGGAAACTTCTCAGC-3'
Protein context (NP_689637.3, residues 166-186): KKGLKGFFSS[Ile176Leu]RRHRKSKVTG